The following is an entry in ClinVar:

ClinVar aggregate classification (germline): Likely benign. Review status: criteria provided, multiple submitters, no conflicts (2 of 4 stars). 3 submissions from 3 submitters: Likely benign (3). Last evaluated 2025-10-22.

Allele frequency attached by ClinVar (database versions not stated): gnomAD 0.00007 and 0.00008; ExAC 0.00012; ESP Exome Variant Server 0.00015; TOPMed 0.00018.
gnomAD v4.1: 211 of 1,614,052 alleles (0.013%); highest among the groups gnomAD compares: Middle Eastern, 0.016%; 1 homozygote.

Submissions (3):

Labcorp Genetics (formerly Invitae), Labcorp
Classification: Likely benign. Last evaluated: 2025-10-22. Review status: criteria provided, single submitter. Criteria: Invitae Variant Classification Sherloc (09022015). Collection method: clinical testing. Allele origin: germline.

CeGaT Center for Human Genetics Tuebingen
Classification: Likely benign. Last evaluated: 2022-06-01. Review status: criteria provided, single submitter. Criteria: CeGaT Center For Human Genetics Tuebingen Variant Classification Criteria Version 2. Collection method: clinical testing. Allele origin: germline. Affected: yes. Observed: 1 variant allele.
Comment: ELMOD3: BP4, BP7

Breakthrough Genomics
Classification: Likely benign. Review status: criteria provided, single submitter. Criteria: ACMG Guidelines, 2015. Collection method: not provided. Allele origin: germline. Inheritance: Autosomal recessive inheritance. Affected: yes.

NM_001135022.2(ELMOD3):c.837G>A (p.Lys279=)

Gene: ELMOD3 (ELMO domain containing 3; plus strand). Cytogenetic location: 2p11.2.
Variant type: single nucleotide variant.
Coding change: c.837G>A on transcript NM_001135022.2 (MANE Select); coding-DNA position 837, G replaced by A.
Protein change: p.Lys279=; no amino-acid change (lysine 279 retained).
Molecular consequence: synonymous variant. On other transcripts: non-coding transcript variant (3).
Genome position (GRCh38, 1-based): chr2:85,390,159, G>A. VCF-style: chr2-85390159-G-A. GRCh37 (hg19) VCF-style: chr2-85617282-G-A.
Other names: c.837G>A, p.Lys279= (NM_001135021.2, NM_001135023.2, NM_001329791.2 and 2 more transcripts).
Identifiers: ClinVar variation 712900 (VCV000712900.33), dbSNP rs138095100, ClinGen allele CA1740526.
Genomic context (GRCh38, chr2:85,390,159, plus strand): 5'-ATCCACCGCTGAGCAGGTCACCTTGCCTTTTTCCTGCAGAGAGTGTAATCGGCAGCAGAA[G>A]GTCATCCCCGTGGTGAACAGCTTCTATGCCGCCACATTCCTCCACCTCGCACATGTCTGG-3'
Protein context (NP_001128494.1, residues 269-289): CLSRECNRQQ[Lys279=]VIPVVNSFYA